The following is an entry in ClinVar:

NM_000548.5(TSC2):c.4625C>T (p.Thr1542Ile)

Gene: TSC2 (TSC complex subunit 2; plus strand). Cytogenetic location: 16p13.3.
Variant type: single nucleotide variant.
Coding change: c.4625C>T on transcript NM_000548.5 (MANE Select); coding-DNA position 4625, C replaced by T.
Protein change: p.Thr1542Ile; replaces threonine 1542 with isoleucine.
Molecular consequence: missense variant.
Genome position (GRCh38, 1-based): chr16:2,085,285, C>T. VCF-style: chr16-2085285-C-T. GRCh37 (hg19) VCF-style: chr16-2135286-C-T.
Other names: c.4625C>T (NM_000548.3); c.4496C>T, p.Thr1499Ile (NM_001370405.1, NM_021055.3); c.4424C>T, p.Thr1475Ile (NM_001077183.3); c.4556C>T, p.Thr1519Ile (NM_001114382.3); c.4316C>T, p.Thr1439Ile (NM_001318827.2); c.4280C>T, p.Thr1427Ile (NM_001318829.2); c.3893C>T, p.Thr1298Ile (NM_001318831.2); c.4457C>T, p.Thr1486Ile (NM_001318832.2); and 2 more; short protein forms T1298I, T1427I, T1439I, T1475I, T1476I, T1486I, T1498I, T1499I.
Identifiers: ClinVar variation 1051582 (VCV001051582.11), dbSNP rs2090628070, ClinGen allele CA394304843.
Genomic context (GRCh38, chr16:2,085,285, plus strand): 5'-CACAGTCACAGTCCTTTGAGCGGTCGGTGCAGCTCCTCGACCAGATCCCATCATACGACA[C>T]CCACAAGATCGCCGTCCTGTATGTTGGAGAAGGCCAGGTGAGGCTGCGGGGCCGGCCTAG-3'
Protein context (NP_000539.2, residues 1532-1552): QLLDQIPSYD[Thr1542Ile]HKIAVLYVGE

ClinVar aggregate classification (germline): Uncertain significance. Review status: criteria provided, multiple submitters, no conflicts (2 of 4 stars). 3 submissions from 3 submitters: Uncertain significance (3). Last evaluated 2025-08-13.

Conditions:
Tuberous sclerosis 2 (TSC2). Identifiers: Orphanet 805, MedGen C1860707, MONDO:0013199, OMIM 613254.
Hereditary cancer-predisposing syndrome. Also called: Hereditary Cancer Syndrome; Tumor predisposition; Hereditary neoplastic syndrome; Neoplastic Syndromes, Hereditary. Identifiers: Orphanet 140162, MedGen C0027672, MeSH D009386, MONDO:0015356.

Submissions (3):

Labcorp Genetics (formerly Invitae), Labcorp
Classification: Uncertain significance for Tuberous sclerosis 2. Last evaluated: 2025-08-13. Review status: criteria provided, single submitter. Criteria: Invitae Variant Classification Sherloc (09022015). Collection method: clinical testing. Allele origin: germline.
Comment: This sequence change replaces threonine, which is neutral and polar, with isoleucine, which is neutral and non-polar, at codon 1542 of the TSC2 protein (p.Thr1542Ile). This variant is not present in population databases (gnomAD no frequency). This variant has not been reported in the literature in individuals affected with TSC2-related conditions. ClinVar contains an entry for this variant (Variation ID: 1051582). Invitae Evidence Modeling of protein sequence and biophysical properties (such as structural, functional, and spatial information, amino acid conservation, physicochemical variation, residue mobility, and thermodynamic stability) indicates that this missense variant is not expected to disrupt TSC2 protein function with a negative predictive value of 95%. In summary, the available evidence is currently insufficient to determine the role of this variant in disease. Therefore, it has been classified as a Variant of Uncertain Significance.

Ambry Genetics
Classification: Uncertain significance for Hereditary cancer-predisposing syndrome. Last evaluated: 2023-12-07. Review status: criteria provided, single submitter. Criteria: Ambry Variant Classification Scheme 2023. Collection method: clinical testing. Allele origin: germline.
Comment: The p.T1542I variant (also known as c.4625C>T), located in coding exon 35 of the TSC2 gene, results from a C to T substitution at nucleotide position 4625. The threonine at codon 1542 is replaced by isoleucine, an amino acid with similar properties. This amino acid position is conserved. In addition, this alteration is predicted to be deleterious by in silico analysis. Since supporting evidence is limited at this time, the clinical significance of this alteration remains unclear.

GeneDx
Classification: Uncertain significance. Last evaluated: 2023-12-05. Review status: criteria provided, single submitter. Criteria: GeneDx Variant Classification Process June 2021. Collection method: clinical testing. Allele origin: germline. Affected: yes.
Comment: Not observed at significant frequency in large population cohorts (gnomAD); In silico analysis supports that this missense variant has a deleterious effect on protein structure/function; Has not been previously published as pathogenic or benign to our knowledge; Located within GAP domain (PMID: 18466115); This variant is associated with the following publications: (PMID: 18466115)